The following is an entry in ClinVar:

ClinVar aggregate classification (germline): Uncertain significance (1 of 4 stars; one submission).

Submission:

GeneDx
Classification: Uncertain significance. Last evaluated: 2024-02-28. Review status: criteria provided, single submitter. Criteria: GeneDx Variant Classification Process June 2021. Collection method: clinical testing. Allele origin: germline. Affected: yes.
Comment: Not observed at significant frequency in large population cohorts (gnomAD); In silico analysis supports that this missense variant does not alter protein structure/function; Has not been previously published as pathogenic or benign to our knowledge

NM_003995.4(NPR2):c.824A>G (p.Gln275Arg)

Gene: NPR2 (natriuretic peptide receptor 2; plus strand). Cytogenetic location: 9p13.3.
Variant type: single nucleotide variant.
Coding change: c.824A>G on transcript NM_003995.4 (MANE Select); coding-DNA position 824, A replaced by G.
Protein change: p.Gln275Arg; replaces glutamine 275 with arginine.
Molecular consequence: missense variant.
Genome position (GRCh38, 1-based): chr9:35,794,054, A>G. VCF-style: chr9-35794054-A-G. GRCh37 (hg19) VCF-style: chr9-35794051-A-G.
Other names: c.824A>G, p.Gln275Arg (NM_001378923.1); short protein forms Q275R.
Identifiers: ClinVar variation 3373469 (VCV003373469.1).